The following is an entry in ClinVar:

ClinVar aggregate classification (germline): Likely pathogenic (1 of 4 stars; one submission).

Conditions:
Epidermolysis bullosa simplex 1D, generalized, intermediate or severe, autosomal recessive. Identifiers: Orphanet 89838, MedGen C3715082, MONDO:0010976, OMIM 601001.

Submission:

First Genomix Gene Laboratory, Genetic Diagnostics Department
Classification: Likely pathogenic for Epidermolysis bullosa simplex 1D, generalized, intermediate or severe, autosomal recessive. Last evaluated: 2025-06-17. Review status: criteria provided, single submitter. Criteria: ACMG Guidelines, 2015. Collection method: clinical testing. Allele origin: germline. Inheritance: Autosomal recessive inheritance. Affected: no. Observed: 1 variant allele.

NM_000526.5(KRT14):c.1167C>A (p.Cys389Ter)

Gene: KRT14 (keratin 14; minus strand). Cytogenetic location: 17q21.2.
Variant type: single nucleotide variant.
Coding change: c.1167C>A on transcript NM_000526.5 (MANE Select); coding-DNA position 1167, C replaced by A.
Protein change: p.Cys389Ter; replaces cysteine 389 with a stop codon.
Molecular consequence: nonsense.
Genome position (GRCh38, 1-based): chr17:41,583,342, G>T on the plus strand (C>A on the coding strand, the complement: KRT14 is on the minus strand). VCF-style: chr17-41583342-G-T. GRCh37 (hg19) VCF-style: chr17-39739594-G-T.
Other names: short protein forms C389*.
Identifiers: ClinVar variation 4849386 (VCV004849386.1).
Genomic context (GRCh38, chr17:41,583,342, plus strand): 5'-CTCCAGCCGCGTCTTCACGTCCAGCAGGATCTTGTACTCCTGGTTCTGCTGCTCCATCTC[G>T]CAGCGGAGCTGGGCCAGCTGCTCCTCCACGCTGCCAATCATCTCCTGGATCTGGGCCAGC-3'